The following is an entry in ClinVar:

NM_001009944.3(PKD1):c.8990G>T (p.Ser2997Ile)

Gene: PKD1 (polycystin 1, transient receptor potential channel interacting; minus strand). Cytogenetic location: 16p13.3.
Variant type: single nucleotide variant.
Coding change: c.8990G>T on transcript NM_001009944.3 (MANE Select); coding-DNA position 8990, G replaced by T.
Protein change: p.Ser2997Ile; replaces serine 2997 with isoleucine.
Molecular consequence: missense variant.
Genome position (GRCh38, 1-based): chr16:2,102,592, C>A on the plus strand (G>T on the coding strand, the complement: PKD1 is on the minus strand). VCF-style: chr16-2102592-C-A. GRCh37 (hg19) VCF-style: chr16-2152593-C-A.
Other names: c.8990G>T, p.Ser2997Ile (NM_000296.4); short protein forms S2997I.
Identifiers: ClinVar variation 3730881 (VCV003730881.4).

ClinVar aggregate classification (germline): Conflicting classifications of pathogenicity. Review status: criteria provided, conflicting classifications (1 of 4 stars). 3 submissions from 3 submitters: Likely pathogenic (1); Uncertain significance (2). Last evaluated 2024-12-23.

Conditions:
PKD1-related disorder. Also called: PKD1-related condition.
Polycystic kidney disease, adult type (PKD1). Also called: Polycystic Kidney Disease 1, Autosomal Dominant; Polycystic kidney disease 1; Polycystic kidney disease 1, severe; Polycystic Kidney, Autosomal Dominant; POLYCYSTIC KIDNEY DISEASE 1 WITH OR WITHOUT POLYCYSTIC LIVER DISEASE; POLYCYSTIC KIDNEY DISEASE, ADULT, TYPE I. Identifiers: MedGen C3149841, MONDO:0008263, OMIM 173900.

Submissions (3):

Dasa
Classification: Uncertain significance for Polycystic kidney disease, adult type. Last evaluated: 2024-12-23. Review status: criteria provided, single submitter. Criteria: DASA Assertion Criteria. Collection method: clinical testing. Allele origin: germline.
Comment: NM_001009944.3(PKD1):c.8990G>T (p.Ser2997Ile) is a missense variant that results in the substitution of serine with isoleucine. This variant is absent from population databases. Computational prediction algorithms are consistent with a benign effect. The currently available literature and clinical evidence are not sufficient to establish a definitive association between this variant and the reported condition. Therefore, this variant is classified as a variant of uncertain significance.

GeneDx
Classification: Uncertain significance. Last evaluated: 2024-08-12. Review status: criteria provided, single submitter. Criteria: GeneDx Variant Classification Process June 2021. Collection method: clinical testing. Allele origin: germline. Affected: yes.
Comment: Not observed at significant frequency in large population cohorts (gnomAD); In silico analysis supports that this missense variant has a deleterious effect on protein structure/function; This variant is associated with the following publications: (PMID: 33226606, 33639313)

Blueprint Genetics
Classification: Likely pathogenic for PKD1-related disorders. Last evaluated: 2021-03-31. Review status: criteria provided, single submitter. Criteria: ACMG Guidelines, 2015. Collection method: clinical testing. Allele origin: germline. Affected: yes. Observed: 1 variant allele.